The following is an entry in ClinVar:

ClinVar aggregate classification (germline): Uncertain significance (1 of 4 stars; one submission).

Conditions:
Leigh syndrome (NULS). Also called: Leigh's necrotizing encephalopathy; Leigh's disease; Leigh Syndrome (mtDNA deletion); Leigh Disease; Subacute necrotizing encephalopathy; Necrotizing encephalopathy infantile subacute of Leigh. Identifiers: Orphanet 506, MedGen C2931891, MONDO:0009723, OMIM 256000.

Submission:

Wong Mito Lab, Molecular and Human Genetics, Baylor College of Medicine
Classification: Uncertain significance for Leigh syndrome. Last evaluated: 2019-10-17. Review status: criteria provided, single submitter. Criteria: Modified ACMG Guidelines (Unpublished). Collection method: clinical testing. Allele origin: germline.
Comment: The NC_012920.1:m.7279T>C (YP_003024028.1:p.Phe459Ser) variant in MTCO1 gene is interpretated to be a Uncertain Significance variant based on the modified ACMG guidelines (unpublished). This variant meets the following evidence codes: PP7, BP6

NC_012920.1(MT-CO1):m.7279T>C

Gene: MT-CO1 (mitochondrially encoded cytochrome c oxidase I; plus strand).
Variant type: single nucleotide variant.
Genome position: chrM-7279-T-C.
Identifiers: ClinVar variation 692727 (VCV000692727.1), dbSNP rs1603220861, ClinGen allele CA414792198.